The following is an entry in ClinVar:

NM_177438.3(DICER1):c.4693G>T (p.Ala1565Ser)

Gene: DICER1 (dicer 1, ribonuclease III; minus strand). Cytogenetic location: 14q32.13.
Variant type: single nucleotide variant.
Coding change: c.4693G>T on transcript NM_177438.3 (MANE Select); coding-DNA position 4693, G replaced by T.
Protein change: p.Ala1565Ser; replaces alanine 1565 with serine.
Molecular consequence: missense variant. On other transcripts: non-coding transcript variant (6).
Genome position (GRCh38, 1-based): chr14:95,096,227, C>A on the plus strand (G>T on the coding strand, the complement: DICER1 is on the minus strand). VCF-style: chr14-95096227-C-A. GRCh37 (hg19) VCF-style: chr14-95562564-C-A.
Other names: c.4693G>T, p.Ala1565Ser (NM_001195573.1, NM_001271282.3, NM_001291628.2 and 13 more transcripts); c.4411G>T, p.Ala1471Ser (NM_001395686.1); c.4288G>T, p.Ala1430Ser (NM_001395687.1, NM_001395688.1, NM_001395689.1 and 2 more transcripts); c.4126G>T, p.Ala1376Ser (NM_001395691.1); c.3010G>T, p.Ala1004Ser (NM_001395697.1); short protein forms A1471S, A1565S, A1004S, A1376S, A1430S.
Identifiers: ClinVar variation 1742493 (VCV001742493.5), dbSNP rs2139845456, ClinGen allele CA390867505.

ClinVar aggregate classification (germline): Uncertain significance. Review status: criteria provided, multiple submitters, no conflicts (2 of 4 stars). 2 submissions from 2 submitters: Uncertain significance (2). Last evaluated 2025-12-03.

Conditions:
DICER1-related tumor predisposition. Also called: DICER1 syndrome; DICER1-related pleuropulmonary blastoma cancer predisposition syndrome. Identifiers: Orphanet 284343, MedGen C3839822, MONDO:0100216.
Hereditary cancer-predisposing syndrome. Also called: Neoplastic Syndromes, Hereditary; Tumor predisposition; Hereditary Cancer Syndrome; Hereditary neoplastic syndrome. Identifiers: Orphanet 140162, MedGen C0027672, MeSH D009386, MONDO:0015356.

Allele frequency attached by ClinVar (database versions not stated): gnomAD exomes below 0.00001.
gnomAD v4.1: 1 of 1,614,242 alleles (0.000062%); highest among the groups gnomAD compares: Non-Finnish European, 0.000085%; no homozygotes.

Submissions (2):

Ambry Genetics
Classification: Uncertain significance for Hereditary cancer-predisposing syndrome. Last evaluated: 2025-12-03. Review status: criteria provided, single submitter. Criteria: Ambry Variant Classification Scheme 2023. Collection method: clinical testing. Allele origin: germline.
Comment: The p.A1565S variant (also known as c.4693G>T), located in coding exon 22 of the DICER1 gene, results from a G to T substitution at nucleotide position 4693. The alanine at codon 1565 is replaced by serine, an amino acid with similar properties. This amino acid position is highly conserved in available vertebrate species. In addition, this alteration is predicted to be deleterious by in silico analysis. Based on the available evidence, the clinical significance of this variant remains unclear.

Labcorp Genetics (formerly Invitae), Labcorp
Classification: Uncertain significance for DICER1-related tumor predisposition. Last evaluated: 2024-06-07. Review status: criteria provided, single submitter. Criteria: Invitae Variant Classification Sherloc (09022015). Collection method: clinical testing. Allele origin: germline.
Comment: This sequence change replaces alanine, which is neutral and non-polar, with serine, which is neutral and polar, at codon 1565 of the DICER1 protein (p.Ala1565Ser). This variant is not present in population databases (gnomAD no frequency). This variant has not been reported in the literature in individuals affected with DICER1-related conditions. ClinVar contains an entry for this variant (Variation ID: 1742493). Advanced modeling of protein sequence and biophysical properties (such as structural, functional, and spatial information, amino acid conservation, physicochemical variation, residue mobility, and thermodynamic stability) performed at Invitae indicates that this missense variant is expected to disrupt DICER1 protein function with a positive predictive value of 80%. In summary, the available evidence is currently insufficient to determine the role of this variant in disease. Therefore, it has been classified as a Variant of Uncertain Significance.